The following is an entry in ClinVar:

NM_001127222.2(CACNA1A):c.4471G>A (p.Val1491Ile)

Gene: CACNA1A (calcium voltage-gated channel subunit alpha1 A; minus strand). Cytogenetic location: 19p13.13.
Variant type: single nucleotide variant.
Coding change: c.4471G>A on transcript NM_001127222.2 (MANE Select); coding-DNA position 4471, G replaced by A.
Protein change: p.Val1491Ile; replaces valine 1491 with isoleucine.
Molecular consequence: missense variant.
Genome position (GRCh38, 1-based): chr19:13,257,469, C>T on the plus strand (G>A on the coding strand, the complement: CACNA1A is on the minus strand). VCF-style: chr19-13257469-C-T. GRCh37 (hg19) VCF-style: chr19-13368283-C-T.
Other names: p.Val149Ile; c.4483G>A, p.Val1495Ile (NM_000068.4, NM_023035.3); c.4474G>A, p.Val1492Ile (NM_001127221.2, NM_001174080.2); short protein forms V1491I, V1492I, V1495I.
Identifiers: ClinVar variation 2582296 (VCV002582296.2), dbSNP rs1211294190, ClinGen allele CA404338991.

ClinVar aggregate classification (germline): Uncertain significance (1 of 4 stars; one submission).

Conditions:
Developmental and epileptic encephalopathy, 42 (DEE42A). Also called: DEVELOPMENTAL AND EPILEPTIC ENCEPHALOPATHY 42A; EPILEPTIC ENCEPHALOPATHY, EARLY INFANTILE, 42A; Epileptic encephalopathy, early infantile, 42. Identifiers: MedGen C4310716, MONDO:0014917, OMIM 617106.

Allele frequency attached by ClinVar (database versions not stated): gnomAD exomes below 0.00001.
gnomAD v4.1: 6 of 1,613,456 alleles (0.00037%); highest among the groups gnomAD compares: Non-Finnish European, 0.00051%; no homozygotes.

Submission:

Foundation for Research in Genetics and Endocrinology, FRIGE's Institute of Human Genetics
Classification: Uncertain significance for Developmental and epileptic encephalopathy, 42. Last evaluated: 2023-09-26. Review status: criteria provided, single submitter. Criteria: ACMG Guidelines, 2015. Collection method: clinical testing. Allele origin: germline. Inheritance: Autosomal dominant inheritance. Affected: yes. Observed: 1 heterozygote.
Comment: A heterozygous missense variation in exon 28 of the CACNA1A gene that results in the amino acid substitution of Isoleucine for Valine at codon 1491 (p.Val1491Ile) was detected. The variant has not been reported in the 1000 genomes, gnomAD (v3.1), gnomdAD (v2) and topmed databases. The in-silico predictions of the variant are probably damaging by PolyPhen-2 (HumDiv), damaging by LRT and MutationTaster2. The reference codon is conserved across species. In summary, the variant meets our criteria to be classified as variant of uncertain significance.